The following is an entry in ClinVar:

NM_000368.5(TSC1):c.1817A>G (p.His606Arg)

Gene: TSC1 (TSC complex subunit 1; minus strand). Cytogenetic location: 9q34.13.
Variant type: single nucleotide variant.
Coding change: c.1817A>G on transcript NM_000368.5 (MANE Select); coding-DNA position 1817, A replaced by G.
Protein change: p.His606Arg; replaces histidine 606 with arginine.
Molecular consequence: missense variant. On other transcripts: non-coding transcript variant (5).
Genome position (GRCh38, 1-based): chr9:132,905,761, T>C on the plus strand (A>G on the coding strand, the complement: TSC1 is on the minus strand). VCF-style: chr9-132905761-T-C. GRCh37 (hg19) VCF-style: chr9-135781148-T-C.
Other names: c.1817A>G, p.His606Arg (NM_001406605.1, NM_001406606.1, NM_001406607.1 and 7 more transcripts); c.1814A>G, p.His605Arg (NM_001406608.1, NM_001406609.1, NM_001162426.2 and 6 more transcripts); c.1664A>G, p.His555Arg (NM_001406610.1, NM_001162427.2); c.1661A>G, p.His554Arg (NM_001406611.1, NM_001406612.1, NM_001406613.1); c.1454A>G, p.His485Arg (NM_001362177.2, NM_001406624.1, NM_001406614.1 and 5 more transcripts); c.1451A>G, p.His484Arg (NM_001406625.1, NM_001406620.1, NM_001406621.1 and 2 more transcripts); c.866A>G, p.His289Arg (NM_001406626.1); c.863A>G, p.His288Arg (NM_001406627.1, NM_001406628.1); and 1 more; short protein forms H289R, H484R, H485R, H554R, H606R, H255R, H605R, H288R.
Identifiers: ClinVar variation 3000836 (VCV003000836.4), dbSNP rs1845620152, ClinGen allele CA375363321.

ClinVar aggregate classification (germline): Uncertain significance. Review status: criteria provided, multiple submitters, no conflicts (2 of 4 stars). 2 submissions from 2 submitters: Uncertain significance (2). Last evaluated 2026-07-06.

Conditions:
Tuberous sclerosis 1 (TSC1). Identifiers: Orphanet 805, MedGen C1854465, MONDO:0008612, OMIM 191100.
Hereditary cancer-predisposing syndrome. Also called: Hereditary Cancer Syndrome; Hereditary neoplastic syndrome; Neoplastic Syndromes, Hereditary; Tumor predisposition. Identifiers: Orphanet 140162, MedGen C0027672, MeSH D009386, MONDO:0015356.

Allele frequency attached by ClinVar (database versions not stated): TOPMed below 0.00001.

Submissions (2):

Ambry Genetics
Classification: Uncertain significance for Hereditary cancer-predisposing syndrome. Last evaluated: 2026-07-06. Review status: criteria provided, single submitter. Criteria: Ambry Variant Classification Scheme 2023. Collection method: clinical testing. Allele origin: germline.
Comment: The p.H606R variant (also known as c.1817A>G), located in coding exon 13 of the TSC1 gene, results from an A to G substitution at nucleotide position 1817. The histidine at codon 606 is replaced by arginine, an amino acid with highly similar properties. This amino acid position is conserved. In addition, the in silico prediction for this alteration is inconclusive. Based on the available evidence, the clinical significance of this variant remains unclear.

Labcorp Genetics (formerly Invitae), Labcorp
Classification: Uncertain significance for Tuberous sclerosis 1. Last evaluated: 2025-10-28. Review status: criteria provided, single submitter. Criteria: Invitae Variant Classification Sherloc (09022015). Collection method: clinical testing. Allele origin: germline.
Comment: This sequence change replaces histidine, which is basic and polar, with arginine, which is basic and polar, at codon 606 of the TSC1 protein (p.His606Arg). This variant is not present in population databases (gnomAD no frequency). This variant has not been reported in the literature in individuals affected with TSC1-related conditions. ClinVar contains an entry for this variant (Variation ID: 3000836). Invitae Evidence Modeling of protein sequence and biophysical properties (such as structural, functional, and spatial information, amino acid conservation, physicochemical variation, residue mobility, and thermodynamic stability) indicates that this missense variant is not expected to disrupt TSC1 protein function with a negative predictive value of 95%. In summary, the available evidence is currently insufficient to determine the role of this variant in disease. Therefore, it has been classified as a Variant of Uncertain Significance.